The following is an entry in ClinVar:

NM_022124.6(CDH23):c.5771T>A (p.Leu1924Gln)

Gene: CDH23 (cadherin related 23; plus strand). Cytogenetic location: 10q22.1.
Variant type: single nucleotide variant.
Coding change: c.5771T>A on transcript NM_022124.6 (MANE Select); coding-DNA position 5771, T replaced by A.
Protein change: p.Leu1924Gln; replaces leucine 1924 with glutamine.
Molecular consequence: missense variant.
Genome position (GRCh38, 1-based): chr10:71,785,689, T>A. VCF-style: chr10-71785689-T-A. GRCh37 (hg19) VCF-style: chr10-73545446-T-A.
Other names: short protein forms L1924Q.
Identifiers: ClinVar variation 1304248 (VCV001304248.2), dbSNP rs2132940488, ClinGen allele CA377147901.

ClinVar aggregate classification (germline): Uncertain significance (1 of 4 stars; one submission).

Submission:

GeneDx
Classification: Uncertain significance. Last evaluated: 2018-11-02. Review status: criteria provided, single submitter. Criteria: GeneDx Variant Classification Process June 2021. Collection method: clinical testing. Allele origin: germline. Affected: yes.
Comment: Not observed in large population cohorts (Lek et al., 2016); In silico analysis, which includes protein predictors and evolutionary conservation, supports a deleterious effect; Has not been previously published as pathogenic or benign to our knowledge